The following is an entry in ClinVar:

ClinVar aggregate classification (germline): Conflicting classifications of pathogenicity. Review status: criteria provided, conflicting classifications (1 of 4 stars). 3 submissions from 3 submitters: Uncertain significance (2); Likely benign (1). Last evaluated 2025-12-16.

Conditions:
Cardiovascular phenotype. Identifiers: MedGen CN230736.
Dilated cardiomyopathy 1DD (CMD1DD). Identifiers: Orphanet 154, MedGen C2750995, MONDO:0013168, OMIM 613172.

Allele frequency attached by ClinVar (database versions not stated): gnomAD exomes below 0.00001 and 0.00001; TOPMed below 0.00001; gnomAD 0.00002.
gnomAD v4.1: 4 of 1,551,600 alleles (0.00026%); highest among the groups gnomAD compares: African/African-American, 0.0041%; no homozygotes.

Submissions (3):

Labcorp Genetics (formerly Invitae), Labcorp
Classification: Likely benign for Dilated cardiomyopathy 1DD. Last evaluated: 2025-12-16. Review status: criteria provided, single submitter. Criteria: Invitae Variant Classification Sherloc (09022015). Collection method: clinical testing. Allele origin: germline.

Fulgent Genetics
Classification: Uncertain significance for Dilated cardiomyopathy 1DD. Last evaluated: 2021-10-25. Review status: criteria provided, single submitter. Criteria: ACMG Guidelines, 2015. Collection method: clinical testing. Allele origin: unknown.

Ambry Genetics
Classification: Uncertain significance for Cardiovascular phenotype. Last evaluated: 2020-06-01. Review status: criteria provided, single submitter. Criteria: Ambry Variant Classification Scheme 2023. Collection method: clinical testing. Allele origin: germline.
Comment: The p.R703G variant (also known as c.2107A>G), located in coding exon 9 of the RBM20 gene, results from an A to G substitution at nucleotide position 2107. The arginine at codon 703 is replaced by glycine, an amino acid with dissimilar properties. This amino acid position is highly conserved in available vertebrate species. In addition, the in silico prediction for this alteration is inconclusive. Since supporting evidence is limited at this time, the clinical significance of this alteration remains unclear.

NM_001134363.3(RBM20):c.2107A>G (p.Arg703Gly)

Gene: RBM20 (RNA binding motif protein 20; plus strand). Cytogenetic location: 10q25.2.
Variant type: single nucleotide variant.
Coding change: c.2107A>G on transcript NM_001134363.3 (MANE Select); coding-DNA position 2107, A replaced by G.
Protein change: p.Arg703Gly; replaces arginine 703 with glycine.
Molecular consequence: missense variant.
Genome position (GRCh38, 1-based): chr10:110,812,504, A>G. VCF-style: chr10-110812504-A-G. GRCh37 (hg19) VCF-style: chr10-112572262-A-G.
Other names: short protein forms R703G.
Identifiers: ClinVar variation 1046131 (VCV001046131.12), dbSNP rs899167549, ClinGen allele CA213223787.